The following is an entry in ClinVar:

ClinVar aggregate classification (germline): Uncertain significance (1 of 4 stars; one submission).

Submission:

Labcorp Genetics (formerly Invitae), Labcorp
Classification: Uncertain significance. Last evaluated: 2024-05-28. Review status: criteria provided, single submitter. Criteria: Invitae Variant Classification Sherloc (09022015). Collection method: clinical testing. Allele origin: germline.
Comment: This sequence change replaces glutamine, which is neutral and polar, with glutamic acid, which is acidic and polar, at codon 84 of the ATP2B2 protein (p.Gln84Glu). This variant is not present in population databases (gnomAD no frequency). This variant has not been reported in the literature in individuals affected with ATP2B2-related conditions. Advanced modeling of protein sequence and biophysical properties (such as structural, functional, and spatial information, amino acid conservation, physicochemical variation, residue mobility, and thermodynamic stability) performed at Invitae indicates that this missense variant is not expected to disrupt ATP2B2 protein function with a negative predictive value of 80%. In summary, the available evidence is currently insufficient to determine the role of this variant in disease. Therefore, it has been classified as a Variant of Uncertain Significance.

NM_001001331.4(ATP2B2):c.250C>G (p.Gln84Glu)

Gene: ATP2B2 (ATPase plasma membrane Ca2+ transporting 2; minus strand). Cytogenetic location: 3p25.3.
Variant type: single nucleotide variant.
Coding change: c.250C>G on transcript NM_001001331.4 (MANE Select); coding-DNA position 250, C replaced by G.
Protein change: p.Gln84Glu; replaces glutamine 84 with glutamic acid.
Molecular consequence: missense variant.
Genome position (GRCh38, 1-based): chr3:10,410,765, G>C on the plus strand (C>G on the coding strand, the complement: ATP2B2 is on the minus strand). VCF-style: chr3-10410765-G-C. GRCh37 (hg19) VCF-style: chr3-10452449-G-C.
Other names: c.250C>G, p.Gln84Glu (NM_001330611.3, NM_001353564.1, NM_001363862.1 and 1 more transcripts); short protein forms Q84E.
Identifiers: ClinVar variation 3624709 (VCV003624709.2).
Genomic context (GRCh38, chr3:10,410,765, plus strand): 5'-GCAGCGCCTCCCACACGAGCTGCAGGAAGGTTTTTGGCTTCTTTGGAGGTATAAAGTTTT[G>C]CCCAAAAATTTGCTTTCTCTTTTCCAGGTCTGGAGCGGTGCCCGGCAAACCTGTGGACAG-3'
Protein context (NP_001001331.1, residues 74-94): DLEKRKQIFG[Gln84Glu]NFIPPKKPKT